The following is an entry in ClinVar:

ClinVar aggregate classification (germline): Pathogenic/Likely pathogenic. Review status: criteria provided, multiple submitters, no conflicts (2 of 4 stars). 3 submissions from 3 submitters: Pathogenic (2); Likely pathogenic (1). Last evaluated 2023-08-21.

Conditions:
Cockayne syndrome type 2 (CSB). Also called: Cockayne Syndrome, Type II; COCKAYNE SYNDROME B. Identifiers: Orphanet 191, Orphanet 90322, MedGen C0751038, MONDO:0019570, OMIM 133540.

Allele frequency attached by ClinVar (database versions not stated): ExAC 0.00002; gnomAD exomes 0.00002; gnomAD 0.00003; TOPMed 0.00003; ESP Exome Variant Server 0.00008.
gnomAD v4.1: 34 of 1,613,900 alleles (0.0021%); highest among the groups gnomAD compares: African/African-American, 0.0093%; no homozygotes.

Submissions (3):

Labcorp Genetics (formerly Invitae), Labcorp
Classification: Pathogenic. Last evaluated: 2023-08-21. Review status: criteria provided, single submitter. Criteria: Invitae Variant Classification Sherloc (09022015). Collection method: clinical testing. Allele origin: germline.
Comment: This variant is present in population databases (rs144445150, gnomAD 0.008%). For these reasons, this variant has been classified as Pathogenic. ClinVar contains an entry for this variant (Variation ID: 1800797). This premature translational stop signal has been observed in individuals with Cockayne syndrome or cerebrooculofacioskeletal syndrome (PMID: 18628313, 29572252). This sequence change creates a premature translational stop signal (p.Arg1087*) in the ERCC6 gene. It is expected to result in an absent or disrupted protein product. Loss-of-function variants in ERCC6 are known to be pathogenic (PMID: 18628313, 29572252).

GeneDx
Classification: Pathogenic. Last evaluated: 2022-11-17. Review status: criteria provided, single submitter. Criteria: GeneDx Variant Classification Process June 2021. Collection method: clinical testing. Allele origin: germline. Affected: yes.
Comment: Nonsense variant predicted to result in protein truncation or nonsense mediated decay in a gene for which loss-of-function is a known mechanism of disease; This variant is associated with the following publications: (PMID: 25525159, 18628313, 29572252, 29944916, 32557569)

Lifecell International Pvt. Ltd
Classification: Likely pathogenic for Cockayne syndrome type 2. Review status: criteria provided, single submitter. Criteria: ACMG Guidelines, 2015. Collection method: clinical testing. Allele origin: germline. Inheritance: Autosomal recessive inheritance. Affected: yes. Observed: 1 homozygote.
Comment: A Homozygote Nonsense variant c.3259C>T in Exon 18 of the ERCC6 gene that results in the amino acid substitution p.Arg1087* was identified. The observed variant has a minor allele frequency of 0.0002/0.0006% in gnomAD exomes and genomes. The severity of the impact of this variant on the protein is high, based on the effect of the protein and REVEL score. Rare Exome Variant Ensemble Learner (REVEL) is an ensembl method for predicting the pathogenicity of missense variants based on a combination of scores from 13 individual tools: MutPred, FATHMM v2.3, VEST 3.0, PolyPhen-2, SIFT, PROVEAN, MutationAssessor, MutationTaster, LRT, GERP++, SiPhy, phyloP, and phastCons. The REVEL score for an individual missense variant can range from 0 to 1, with higher scores reflecting greater likelihood that the variant is disease-causing. For these reasons, this variant has been classified as Likely Pathogenic.

Literature cited by the submitters: PubMed 18628313 (cited by Labcorp Genetics (formerly Invitae), Labcorp); PubMed 29572252 (cited by Labcorp Genetics (formerly Invitae), Labcorp).

NM_000124.4(ERCC6):c.3259C>T (p.Arg1087Ter)

Gene: ERCC6 (ERCC excision repair 6, chromatin remodeling factor; minus strand). Cytogenetic location: 10q11.23.
Variant type: single nucleotide variant.
Coding change: c.3259C>T on transcript NM_000124.4 (MANE Select); coding-DNA position 3259, C replaced by T.
Protein change: p.Arg1087Ter; replaces arginine 1087 with a stop codon.
Molecular consequence: nonsense.
Genome position (GRCh38, 1-based): chr10:49,470,701, G>A on the plus strand (C>T on the coding strand, the complement: ERCC6 is on the minus strand). VCF-style: chr10-49470701-G-A. GRCh37 (hg19) VCF-style: chr10-50678747-G-A.
Other names: c.3259C>T, p.Arg1087Ter (NM_001346440.2); short protein forms R1087*.
Identifiers: ClinVar variation 1800797 (VCV001800797.6), dbSNP rs144445150, ClinGen allele CA5495380.